The following is an entry in ClinVar:

ClinVar aggregate classification (germline): Benign/Likely benign. Review status: criteria provided, multiple submitters, no conflicts (2 of 4 stars). 10 submissions from 10 submitters: Benign (2); Likely benign (5). 3 of the submissions do not count toward it. Last evaluated 2026-01-16.

Conditions:
SRP72-related disorder. Also called: SRP72-related condition.
Autosomal dominant aplasia and myelodysplasia. Also called: Bone marrow failure syndrome 1. Identifiers: Orphanet 314399, MedGen C3808553, MONDO:0013851, OMIM 614675.

Allele frequency attached by ClinVar (database versions not stated): gnomAD exomes 0.00113 and 0.00176; TOPMed 0.00117; gnomAD 0.00123 and 0.00131; ExAC 0.00125; ESP Exome Variant Server 0.00231.
gnomAD v4.1: 2,729 of 1,613,830 alleles (0.17%); highest among the groups gnomAD compares: Non-Finnish European, 0.21%; 5 homozygotes.

Submissions (10):

Labcorp Genetics (formerly Invitae), Labcorp
Classification: Likely benign. Last evaluated: 2026-01-16. Review status: criteria provided, single submitter. Criteria: Invitae Variant Classification Sherloc (09022015). Collection method: clinical testing. Allele origin: germline.

ARUP Laboratories, Molecular Genetics and Genomics, ARUP Laboratories
Classification: Benign for Autosomal dominant aplasia and myelodysplasia. Last evaluated: 2024-11-06. Review status: criteria provided, single submitter. Criteria: ARUP Molecular Germline Variant Investigation Process 2024. Collection method: clinical testing. Allele origin: germline.

Blueprint Genetics
Classification: Likely benign. Last evaluated: 2024-10-30. Review status: criteria provided, single submitter. Criteria: ACMG Guidelines, 2015. Collection method: clinical testing. Allele origin: germline.

CeGaT Center for Human Genetics Tuebingen
Classification: Likely benign. Last evaluated: 2023-02-01. Review status: criteria provided, single submitter. Criteria: CeGaT Center For Human Genetics Tuebingen Variant Classification Criteria Version 2. Collection method: clinical testing. Allele origin: germline. Affected: yes. Observed: 1 variant allele.
Comment: SRP72: BP4, BP7

GeneDx
Classification: Likely benign. Last evaluated: 2020-10-28. Review status: criteria provided, single submitter. Criteria: GeneDx Variant Classification Process June 2021. Collection method: clinical testing. Allele origin: germline. Affected: yes.

Illumina Laboratory Services, Illumina
Classification: Benign for Autosomal dominant aplasia and myelodysplasia. Last evaluated: 2018-01-13. Review status: criteria provided, single submitter. Criteria: ICSL Variant Classification Criteria 13 December 2019. Collection method: clinical testing. Allele origin: germline.
Comment: This variant was observed in the ICSL laboratory as part of a predisposition screen in an ostensibly healthy population. It had not been previously curated by ICSL or reported in the Human Gene Mutation Database (HGMD: prior to June 1st, 2018), and was therefore a candidate for classification through an automated scoring system. Utilizing variant allele frequency, disease prevalence and penetrance estimates, and inheritance mode, an automated score was calculated to assess if this variant is too frequent to cause the disease. Based on the score and internal cut-off values, a variant classified as benign is not then subjected to further curation. The score for this variant resulted in a classification of benign for this disease.

Genetic Services Laboratory, University of Chicago
Classification: Likely benign. Last evaluated: 2017-04-10. Review status: criteria provided, single submitter. Criteria: ACMG Guidelines, 2015. Collection method: clinical testing. Allele origin: germline. Affected: no.

PreventionGenetics, part of Exact Sciences
Classification: Likely benign for SRP72-related condition. Last evaluated: 2021-12-13. Review status: no assertion criteria provided. Collection method: clinical testing. Allele origin: germline. Not counted in ClinVar's aggregate classification.
Comment: This variant is classified as likely benign based on ACMG/AMP sequence variant interpretation guidelines (Richards et al. 2015 PMID: 25741868, with internal and published modifications).

Clinical Genetics DNA and cytogenetics Diagnostics Lab, Erasmus MC, Erasmus Medical Center
Classification: Likely benign. Review status: no assertion criteria provided. Collection method: clinical testing. Allele origin: germline. Affected: yes. Study: VKGL Data-share Consensus. Not counted in ClinVar's aggregate classification.

Genome Diagnostics Laboratory, University Medical Center Utrecht
Classification: Likely benign. Review status: no assertion criteria provided. Collection method: clinical testing. Allele origin: germline. Affected: yes. Study: VKGL Data-share Consensus. Not counted in ClinVar's aggregate classification.

NM_006947.4(SRP72):c.1803G>A (p.Gly601=)

Gene: SRP72 (signal recognition particle 72; plus strand). Cytogenetic location: 4q12.
Variant type: single nucleotide variant.
Coding change: c.1803G>A on transcript NM_006947.4 (MANE Select); coding-DNA position 1803, G replaced by A.
Protein change: p.Gly601=; no amino-acid change (glycine 601 retained).
Molecular consequence: synonymous variant. On other transcripts: non-coding transcript variant (1).
Genome position (GRCh38, 1-based): chr4:56,500,660, G>A. VCF-style: chr4-56500660-G-A. GRCh37 (hg19) VCF-style: chr4-57366826-G-A.
Other names: c.1620G>A, p.Gly540= (NM_001267722.2).
Identifiers: ClinVar variation 349134 (VCV000349134.47), dbSNP rs143643243, ClinGen allele CA2931481.